The following is an entry in ClinVar:

ClinVar aggregate classification (germline): Likely benign (1 of 4 stars; one submission).

Allele frequency attached by ClinVar (database versions not stated): TOPMed 0.00001 and 0.00002.
gnomAD v4.1: 2 of 1,612,638 alleles (0.00012%); highest among the groups gnomAD compares: African/African-American, 0.0013%; no homozygotes.

Submission:

GeneDx
Classification: Likely benign. Last evaluated: 2016-09-15. Review status: criteria provided, single submitter. Criteria: GeneDx Variant Classification (06012015). Collection method: clinical testing. Allele origin: germline. Affected: yes.
Comment: This variant is considered likely benign or benign based on one or more of the following criteria: it is a conservative change, it occurs at a poorly conserved position in the protein, it is predicted to be benign by multiple in silico algorithms, and/or has population frequency not consistent with disease.

NM_181523.3(PIK3R1):c.1814+3A>G

Gene: PIK3R1 (phosphoinositide-3-kinase regulatory subunit 1; plus strand). Cytogenetic location: 5q13.1.
Variant type: single nucleotide variant.
Coding change: c.1814+3A>G on transcript NM_181523.3 (MANE Select); 3 bases into the intron after coding-DNA position 1814, A replaced by G.
Molecular consequence: intron variant.
Genome position (GRCh38, 1-based): chr5:68,295,491, A>G. VCF-style: chr5-68295491-A-G. GRCh37 (hg19) VCF-style: chr5-67591319-A-G.
Other names: c.914+3A>G (NM_181524.2); c.1004+3A>G (NM_181504.4); c.725+3A>G (NM_001242466.2).
Identifiers: ClinVar variation 389173 (VCV000389173.1), dbSNP rs1057523351, ClinGen allele CA16604974.